The following is an entry in ClinVar:

NM_004525.3(LRP2):c.6948A>G (p.Ile2316Met)

Gene: LRP2 (LDL receptor related protein 2; minus strand). Cytogenetic location: 2q31.1.
Variant type: single nucleotide variant.
Coding change: c.6948A>G on transcript NM_004525.3 (MANE Select); coding-DNA position 6948, A replaced by G.
Protein change: p.Ile2316Met; replaces isoleucine 2316 with methionine.
Molecular consequence: missense variant.
Genome position (GRCh38, 1-based): chr2:169,206,772, T>C on the plus strand (A>G on the coding strand, the complement: LRP2 is on the minus strand). VCF-style: chr2-169206772-T-C. GRCh37 (hg19) VCF-style: chr2-170063282-T-C.
Other names: c.6948A>G (NM_004525.2); short protein forms I2316M.
Identifiers: ClinVar variation 2228687 (VCV002228687.4), dbSNP rs150369800, ClinGen allele CA1954192.

ClinVar aggregate classification (germline): Uncertain significance. Review status: criteria provided, multiple submitters, no conflicts (2 of 4 stars). 2 submissions from 2 submitters: Uncertain significance (2). Last evaluated 2023-05-23.

Conditions:
Inborn genetic diseases. Identifiers: MedGen C0950123, MeSH D030342.

Allele frequency attached by ClinVar (database versions not stated): gnomAD exomes below 0.00001; ExAC 0.00001; ESP Exome Variant Server 0.00008.
gnomAD v4.1: 1 of 1,614,180 alleles (0.000062%); highest among the groups gnomAD compares: Non-Finnish European, 0.000085%; no homozygotes.

Submissions (2):

Labcorp Genetics (formerly Invitae), Labcorp
Classification: Uncertain significance. Last evaluated: 2023-05-23. Review status: criteria provided, single submitter. Criteria: Invitae Variant Classification Sherloc (09022015). Collection method: clinical testing. Allele origin: germline.
Comment: This variant has not been reported in the literature in individuals affected with LRP2-related conditions. In summary, the available evidence is currently insufficient to determine the role of this variant in disease. Therefore, it has been classified as a Variant of Uncertain Significance. Advanced modeling of protein sequence and biophysical properties (such as structural, functional, and spatial information, amino acid conservation, physicochemical variation, residue mobility, and thermodynamic stability) performed at Invitae indicates that this missense variant is expected to disrupt LRP2 protein function. ClinVar contains an entry for this variant (Variation ID: 2228687). This variant is present in population databases (rs150369800, gnomAD 0.007%). This sequence change replaces isoleucine, which is neutral and non-polar, with methionine, which is neutral and non-polar, at codon 2316 of the LRP2 protein (p.Ile2316Met).

Ambry Genetics
Classification: Uncertain significance for Inborn genetic diseases. Last evaluated: 2021-02-08. Review status: criteria provided, single submitter. Criteria: Ambry Variant Classification Scheme 2023. Collection method: clinical testing. Allele origin: germline.